The following is an entry in ClinVar:

ClinVar aggregate classification (germline): Pathogenic (1 of 4 stars; one submission).

Conditions:
Hereditary cancer-predisposing syndrome. Also called: Neoplastic Syndromes, Hereditary; Tumor predisposition; Hereditary Cancer Syndrome; Hereditary neoplastic syndrome. Identifiers: Orphanet 140162, MedGen C0027672, MeSH D009386, MONDO:0015356.

Submission:

Ambry Genetics
Classification: Pathogenic for Hereditary cancer-predisposing syndrome. Last evaluated: 2018-02-11. Review status: criteria provided, single submitter. Criteria: Ambry Variant Classification Scheme 2023. Collection method: clinical testing. Allele origin: germline.
Comment: The c.801_802delTT pathogenic mutation, located in coding exon 7 of the PMS2 gene, results from a deletion of two nucleotides at nucleotide positions 801 to 802, causing a translational frameshift with a predicted alternate stop codon (p.F267Lfs*31). This alteration is expected to result in loss of function by premature protein truncation or nonsense-mediated mRNA decay. As such, this alteration is interpreted as a disease-causing mutation.

NM_000535.7(PMS2):c.801_802del (p.Phe267fs)

Gene: PMS2 (PMS1 homolog 2, mismatch repair system component; minus strand). Cytogenetic location: 7p22.1.
Variant type: Deletion.
Coding change: c.801_802del on transcript NM_000535.7 (MANE Select); coding-DNA positions 801 to 802, 2 bases deleted (TT; older notation c.801_802delTT).
Protein change: p.Phe267fs; shifts the reading frame from phenylalanine 267.
Molecular consequence: frameshift variant. On other transcripts: 5 prime UTR variant (2), non-coding transcript variant (1).
Genome position (GRCh38, 1-based): chr7:5,997,327-5,997,328, AA deleted on the plus strand (TT on the coding strand, the reverse complement: PMS2 is on the minus strand); deleting any 2 consecutive bases within chr7:5,997,327-5,997,332 gives the same sequence; the c. name uses the placement nearest the transcript's 3' end. VCF-style (leftmost placement, unchanged base first): chr7-5997326-TAA-T. GRCh37 (hg19) VCF-style: chr7-6036957-TAA-T.
Other names: c.801_802delTT (NM_000535.5); c.392_393delTT, p.Phe132Leufs (NM_001018040.1, NM_001406887.1, NM_001406888.1 and 15 more transcripts); c.396_397del, p.Phe132fs (NM_001322003.2, NM_001322004.2, NM_001322005.2 and 2 more transcripts); c.801_802del, p.Phe267fs (NM_001322006.2, NM_001322014.2); c.483_484del, p.Phe161fs (NM_001322007.2, NM_001322008.2); c.-133_-132del (NM_001322011.2, NM_001322012.2); c.228_229del, p.Phe76fs (NM_001322013.2); c.492_493del, p.Phe164fs (NM_001322015.2); and 10 more; short protein forms F267fs, F161fs, F76fs, F132fs, F164fs.
Identifiers: ClinVar variation 1761644 (VCV001761644.2), dbSNP rs267608149, ClinGen allele CA1685261257.